The following is an entry in ClinVar:

NM_002439.5(MSH3):c.574dup (p.Gln192fs)

Gene: MSH3 (mutS homolog 3; plus strand). Cytogenetic location: 5q14.1.
Variant type: Duplication.
Coding change: c.574dup on transcript NM_002439.5 (MANE Select); coding-DNA position 574, one base duplicated (C; older notation c.574dupC).
Protein change: p.Gln192fs; shifts the reading frame from glutamine 192.
Molecular consequence: frameshift variant.
Genome position (GRCh38, 1-based): chr5:80,665,358, C duplicated. VCF-style (leftmost placement, unchanged base first): chr5-80665357-T-TC. GRCh37 (hg19) VCF-style: chr5-79961176-T-TC.
Other names: short protein forms Q192fs.
Identifiers: ClinVar variation 1074334 (VCV001074334.8), dbSNP rs2112809000, ClinGen allele CA2499217937.

ClinVar aggregate classification (germline): Pathogenic. Review status: criteria provided, multiple submitters, no conflicts (2 of 4 stars). 2 submissions from 2 submitters: Pathogenic (2). Last evaluated 2026-03-25.

Conditions:
Familial adenomatous polyposis 4 (FAP4). Also called: MSH3-related attenuated familial adenomatous polyposis. Identifiers: Orphanet 480536, MedGen C4310719, MONDO:0044300, OMIM 617100.

Submissions (2):

Myriad Genetics, Inc.
Classification: Pathogenic for Familial adenomatous polyposis 4. Last evaluated: 2026-03-25. Review status: criteria provided, single submitter. Criteria: Myriad Autosomal Dominant, Autosomal Recessive and X-Linked Classification Criteria (2023). Collection method: clinical testing. Allele origin: unknown.
Comment: This variant is considered pathogenic. This variant creates a frameshift predicted to result in premature protein truncation.

Labcorp Genetics (formerly Invitae), Labcorp
Classification: Pathogenic. Last evaluated: 2020-01-22. Review status: criteria provided, single submitter. Criteria: Invitae Variant Classification Sherloc (09022015). Collection method: clinical testing. Allele origin: germline.
Comment: This variant is not present in population databases (ExAC no frequency). This sequence change creates a premature translational stop signal (p.Gln192Profs*8) in the MSH3 gene. It is expected to result in an absent or disrupted protein product. This variant has not been reported in the literature in individuals with MSH3-related conditions. Loss-of-function variants in MSH3 are known to be pathogenic (PMID: 27476653). For these reasons, this variant has been classified as Pathogenic.

Literature cited by the submitters: PubMed 27476653 (cited by Labcorp Genetics (formerly Invitae), Labcorp).